The following is an entry in ClinVar:

NM_000238.4(KCNH2):c.393G>A (p.Val131=)

Gene: KCNH2 (potassium voltage-gated channel subfamily H member 2; minus strand). Cytogenetic location: 7q36.1.
Variant type: single nucleotide variant.
Coding change: c.393G>A on transcript NM_000238.4 (MANE Select); coding-DNA position 393, G replaced by A.
Protein change: p.Val131=; no amino-acid change (valine 131 retained).
Molecular consequence: synonymous variant. On other transcripts: non-coding transcript variant (1).
Genome position (GRCh38, 1-based): chr7:150,959,651, C>T on the plus strand (G>A on the coding strand, the complement: KCNH2 is on the minus strand). VCF-style: chr7-150959651-C-T. GRCh37 (hg19) VCF-style: chr7-150656739-C-T.
Other names: c.105G>A, p.Val35= (NM_001406753.1, NM_001406756.1); c.216G>A, p.Val72= (NM_001406755.1); c.93G>A, p.Val31= (NM_001406757.1); c.393G>A, p.Val131= (NM_172056.3).
Identifiers: ClinVar variation 509075 (VCV000509075.13), dbSNP rs754093210, ClinGen allele CA039286.

ClinVar aggregate classification (germline): Likely benign. Review status: criteria provided, multiple submitters, no conflicts (2 of 4 stars). 2 submissions from 2 submitters: Likely benign (2). Last evaluated 2025-09-03.

Conditions:
Long QT syndrome (LQTS). Identifiers: MedGen C0023976, MeSH D008133, MONDO:0002442. Disease mechanism: loss of function. Inheritance: Various modes of inheritance.

Allele frequency attached by ClinVar (database versions not stated): ExAC 0.00001; gnomAD exomes 0.00001 and below 0.00001; TOPMed below 0.00001.

Submissions (2):

Labcorp Genetics (formerly Invitae), Labcorp
Classification: Likely benign for Long QT syndrome. Last evaluated: 2025-09-03. Review status: criteria provided, single submitter. Criteria: Invitae Variant Classification Sherloc (09022015). Collection method: clinical testing. Allele origin: germline.

GeneDx
Classification: Likely benign. Last evaluated: 2017-04-25. Review status: criteria provided, single submitter. Criteria: GeneDx Variant Classification (06012015). Collection method: clinical testing. Allele origin: germline. Affected: yes.
Comment: This variant is considered likely benign or benign based on one or more of the following criteria: it is a conservative change, it occurs at a poorly conserved position in the protein, it is predicted to be benign by multiple in silico algorithms, and/or has population frequency not consistent with disease.